The following is an entry in ClinVar:

NM_001365999.1(SZT2):c.2038-5C>T

Gene: SZT2 (SZT2 subunit of KICSTOR complex; plus strand). Cytogenetic location: 1p34.2.
Variant type: single nucleotide variant.
Coding change: c.2038-5C>T on transcript NM_001365999.1 (MANE Select); 5 bases into the intron before coding-DNA position 2038, C replaced by T.
Molecular consequence: intron variant.
Genome position (GRCh38, 1-based): chr1:43,423,094, C>T. VCF-style: chr1-43423094-C-T. GRCh37 (hg19) VCF-style: chr1-43888765-C-T.
Other names: c.2038-5C>T (NM_015284.4).
Identifiers: ClinVar variation 763018 (VCV000763018.12), dbSNP rs558436556, ClinGen allele CA808604.
Genomic context (GRCh38, chr1:43,423,094, plus strand): 5'-TGAGCCCCTTCTCCCAGACCTGTAGGAGATGGGAGTAAGAGGATGTGACCACATTTTCCC[C>T]TCAGATTGTGTCAGGCTTGAGGGAAGAGATCCTGCGGCTGCGTTTCCCCCACCGGGTACA-3'

ClinVar aggregate classification (germline): Conflicting classifications of pathogenicity. Review status: criteria provided, conflicting classifications (1 of 4 stars). 3 submissions from 3 submitters: Uncertain significance (1); Likely benign (2). Last evaluated 2018-07-15.

Conditions:
Inborn genetic diseases. Identifiers: MedGen C0950123, MeSH D030342.

Allele frequency attached by ClinVar (database versions not stated): gnomAD exomes below 0.00001; gnomAD 0.00001 and 0.00002; TOPMed 0.00001; ExAC 0.00005; 1000 Genomes Project 0.00040; 1000 Genomes Project 30x 0.00047.
gnomAD v4.1: 10 of 1,582,756 alleles (0.00063%); highest among the groups gnomAD compares: South Asian, 0.0057%; no homozygotes.

Submissions (3):

Labcorp Genetics (formerly Invitae), Labcorp
Classification: Likely benign. Last evaluated: 2018-07-15. Review status: criteria provided, single submitter. Criteria: Invitae Variant Classification Sherloc (09022015). Collection method: clinical testing. Allele origin: germline.

Ambry Genetics
Classification: Uncertain significance for Inborn genetic diseases. Last evaluated: 2018-07-06. Review status: criteria provided, single submitter. Criteria: Ambry Variant Classification Scheme 2023. Collection method: clinical testing. Allele origin: germline.
Comment: The c.2038-5C>T intronic variant results from a C to T substitution 5 nucleotides upstream from coding exon 15 in the SZT2 gene. This nucleotide position is not well conserved in available vertebrate species. Using the BDGP and ESEfinder splice site prediction tools, this alteration is not predicted to have any significant effect on this splice acceptor site; however, direct evidence is unavailable. Since supporting evidence is limited at this time, the clinical significance of this alteration remains unclear.

Breakthrough Genomics
Classification: Likely benign. Review status: criteria provided, single submitter. Criteria: ACMG Guidelines, 2015. Collection method: not provided. Allele origin: germline. Inheritance: Autosomal recessive inheritance. Affected: yes.